The following is an entry in ClinVar:

ClinVar aggregate classification (germline): Uncertain significance. Review status: criteria provided, multiple submitters, no conflicts (2 of 4 stars). 2 submissions from 2 submitters: Uncertain significance (2). Last evaluated 2023-10-15.

gnomAD v4.1: 6 of 1,608,822 alleles (0.00037%); highest among the groups gnomAD compares: Non-Finnish European, 0.00051%; no homozygotes.

Submissions (2):

Ambry Genetics
Classification: Uncertain significance. Last evaluated: 2023-10-15. Review status: criteria provided, single submitter. Criteria: Ambry Variant Classification Scheme 2023. Collection method: clinical testing. Allele origin: germline.
Comment: The p.K1030Q variant (also known as c.3088A>C), located in coding exon 17 of the NPAT gene, results from an A to C substitution at nucleotide position 3088. The lysine at codon 1030 is replaced by glutamine, an amino acid with similar properties. This amino acid position is conserved. In addition, this alteration is predicted to be tolerated by in silico analysis. Since supporting evidence is limited at this time, the clinical significance of this alteration remains unclear.

Labcorp Genetics (formerly Invitae), Labcorp
Classification: Uncertain significance. Last evaluated: 2023-05-17. Review status: criteria provided, single submitter. Criteria: Invitae Variant Classification Sherloc (09022015). Collection method: clinical testing. Allele origin: germline.
Comment: An algorithm developed to predict the effect of missense changes on protein structure and function (PolyPhen-2) suggests that this variant is likely to be disruptive. This sequence change replaces lysine, which is basic and polar, with glutamine, which is neutral and polar, at codon 1030 of the NPAT protein (p.Lys1030Gln). This variant is not present in population databases (gnomAD no frequency). This variant has not been reported in the literature in individuals affected with NPAT-related conditions. ClinVar contains an entry for this variant (Variation ID: 1727412). In summary, the available evidence is currently insufficient to determine the role of this variant in disease. Therefore, it has been classified as a Variant of Uncertain Significance.

NM_002519.3(NPAT):c.3088A>C (p.Lys1030Gln)

Gene: NPAT (nuclear protein, coactivator of histone transcription; minus strand). Cytogenetic location: 11q22.3.
Variant type: single nucleotide variant.
Coding change: c.3088A>C on transcript NM_002519.3 (MANE Select); coding-DNA position 3088, A replaced by C.
Protein change: p.Lys1030Gln; replaces lysine 1030 with glutamine.
Molecular consequence: missense variant.
Genome position (GRCh38, 1-based): chr11:108,161,998, T>G on the plus strand (A>C on the coding strand, the complement: NPAT is on the minus strand). VCF-style: chr11-108161998-T-G. GRCh37 (hg19) VCF-style: chr11-108032725-T-G.
Other names: c.3109A>C, p.Lys1037Gln (NM_001321307.1); short protein forms K1030Q, K1037Q.
Identifiers: ClinVar variation 1727412 (VCV001727412.5), dbSNP rs770282833, ClinGen allele CA382511553.
Genomic context (GRCh38, chr11:108,161,998, plus strand): 5'-CTTCTGGGAAGGGAACTGTGGTTTCTTCTGATTTTTTCCCAAGATCTGTGGCAATACTTT[T>G]GTCAGAAACTTCAGTTCTAAAACAAAACAAAACAAAACTATTTCTAGCAGCATAAAGAAA-3'
Protein context (NP_002510.2, residues 1020-1040): CHAQKTEVSD[Lys1030Gln]SIATDLGKKS